The following is an entry in ClinVar:

NM_001080467.3(MYO5B):c.3753C>T (p.His1251=)

Gene: MYO5B (myosin VB; minus strand). Cytogenetic location: 18q21.1.
Variant type: single nucleotide variant.
Coding change: c.3753C>T on transcript NM_001080467.3 (MANE Select); coding-DNA position 3753, C replaced by T.
Protein change: p.His1251=; no amino-acid change (histidine 1251 retained).
Molecular consequence: synonymous variant.
Genome position (GRCh38, 1-based): chr18:49,864,231, G>A on the plus strand (C>T on the coding strand, the complement: MYO5B is on the minus strand). VCF-style: chr18-49864231-G-A. GRCh37 (hg19) VCF-style: chr18-47390601-G-A.
Identifiers: ClinVar variation 4989271 (VCV004989271.1).

ClinVar aggregate classification (germline): Likely benign (1 of 4 stars; one submission).

Conditions:
MYO5B-related disorder. Also called: MYO5B-related condition.

Submission:

PreventionGenetics, part of Exact Sciences
Classification: Likely benign for MYO5B-related condition. Last evaluated: 2026-05-27. Review status: criteria provided, single submitter. Criteria: ACMG Guidelines, 2015. Collection method: clinical testing. Allele origin: germline.
Comment: This variant is classified as likely benign based on ACMG/AMP sequence variant interpretation guidelines (Richards et al. 2015 PMID: 25741868, with internal and published modifications).